The following is an entry in ClinVar:

NM_016507.4(CDK12):c.384C>T (p.Thr128=)

Genes: CDK12 (cyclin dependent kinase 12; plus strand), LOC126862553 (CDK7 strongly-dependent group 2 enhancer GRCh37_chr17:37618166-37619365; plus strand). Cytogenetic location: 17q12.
Variant type: single nucleotide variant.
Coding change: c.384C>T on transcript NM_016507.4 (MANE Select); coding-DNA position 384, C replaced by T.
Protein change: p.Thr128=; no amino-acid change (threonine 128 retained).
Molecular consequence: synonymous variant.
Genome position (GRCh38, 1-based): chr17:39,462,455, C>T. VCF-style: chr17-39462455-C-T. GRCh37 (hg19) VCF-style: chr17-37618708-C-T.
Other names: c.384C>T, p.Thr128= (NM_015083.4); c.384C>T (NM_016507.2).
Identifiers: ClinVar variation 3042423 (VCV003042423.3), dbSNP rs779742493, ClinGen allele CA8530968.

ClinVar aggregate classification (germline): Likely benign. Review status: criteria provided, single submitter (1 of 4 stars). 2 submissions from 2 submitters: Likely benign (1). 1 of the submissions does not count toward it. Last evaluated 2024-11-17.

Conditions:
CDK12-related disorder. Also called: CDK12-related condition.

Allele frequency attached by ClinVar (database versions not stated): TOPMed 0.00003; gnomAD 0.00012; ExAC 0.00046.
gnomAD v4.1: 331 of 1,613,794 alleles (0.021%); highest among the groups gnomAD compares: South Asian, 0.35%; 9 homozygotes.

Submissions (2):

Ambry Genetics
Classification: Likely benign. Last evaluated: 2024-11-17. Review status: criteria provided, single submitter. Criteria: Ambry Variant Classification Scheme 2023. Collection method: clinical testing. Allele origin: germline.

PreventionGenetics, part of Exact Sciences
Classification: Likely benign for CDK12-related condition. Last evaluated: 2019-06-30. Review status: no assertion criteria provided. Collection method: clinical testing. Allele origin: germline. Not counted in ClinVar's aggregate classification.
Comment: This variant is classified as likely benign based on ACMG/AMP sequence variant interpretation guidelines (Richards et al. 2015 PMID: 25741868, with internal and published modifications).